The following is an entry in ClinVar:

ClinVar aggregate classification (germline): Likely pathogenic (1 of 4 stars; one submission).

Conditions:
Autosomal recessive ataxia, Beauce type. Also called: Spinocerebellar ataxia, autosomal recessive 8; SYNE1 Deficiency; ATAXIA, RECESSIVE, OF BEAUCE; SYNE1-Related Autosomal Recessive Cerebellar Ataxia. Identifiers: Orphanet 88644, MedGen C1853116, MONDO:0012549, OMIM 610743.
Arthrogryposis multiplex congenita 3, myogenic type. Also called: ARTHROGRYPOSIS MULTIPLEX CONGENITA, MYOGENIC TYPE. Identifiers: MedGen C5193121, MONDO:0032778, OMIM 618484.
Emery-Dreifuss muscular dystrophy 4, autosomal dominant (EDMD4). Also called: EMERY-DREIFUSS MUSCULAR DYSTROPHY 4 WITH VARIABLE FEATURES. Identifiers: Orphanet 261, MedGen C2751807, MONDO:0013071, OMIM 612998.

gnomAD v4.1: 2 of 1,614,162 alleles (0.00012%); highest among the groups gnomAD compares: South Asian, 0.0011%; no homozygotes.

Submission:

Juno Genomics, Hangzhou Juno Genomics, Inc
Classification: Likely pathogenic for Arthrogryposis multiplex congenita 3, myogenic type; Emery-Dreifuss muscular dystrophy 4, autosomal dominant; Autosomal recessive ataxia, Beauce type. Review status: criteria provided, single submitter. Criteria: ACMG Guidelines, 2015. Collection method: clinical testing. Allele origin: germline.
Comment: Null variant in a gene where loss of function (LOF) is a known mechanism of disease.;Absent from controls (or at extremely low frequency if recessive) in Genome Aggregation Database.

NM_182961.4(SYNE1):c.10195C>T (p.Arg3399Ter)

Gene: SYNE1 (spectrin repeat containing nuclear envelope protein 1; minus strand). Cytogenetic location: 6q25.2.
Variant type: single nucleotide variant.
Coding change: c.10195C>T on transcript NM_182961.4 (MANE Select); coding-DNA position 10195, C replaced by T.
Protein change: p.Arg3399Ter; replaces arginine 3399 with a stop codon.
Molecular consequence: nonsense.
Genome position (GRCh38, 1-based): chr6:152,362,274, G>A on the plus strand (C>T on the coding strand, the complement: SYNE1 is on the minus strand). VCF-style: chr6-152362274-G-A. GRCh37 (hg19) VCF-style: chr6-152683409-G-A.
Other names: c.10216C>T, p.Arg3406Ter (NM_033071.5); short protein forms R3406*, R3399*.
Identifiers: ClinVar variation 5006983 (VCV005006983.2).